The following is an entry in ClinVar:

NM_022041.4(GAN):c.*2584A>G

Gene: GAN (gigaxonin; plus strand). Cytogenetic location: 16q23.2.
Variant type: single nucleotide variant.
Coding change: c.*2584A>G on transcript NM_022041.4 (MANE Select); 2584 bases downstream of the stop codon, A replaced by G.
Molecular consequence: 3 prime UTR variant.
Genome position (GRCh38, 1-based): chr16:81,380,180, A>G. VCF-style: chr16-81380180-A-G. GRCh37 (hg19) VCF-style: chr16-81413785-A-G.
Other names: c.*2584A>G (NM_001377486.1).
Identifiers: ClinVar variation 320718 (VCV000320718.5), dbSNP rs117621048, ClinGen allele CA10648138.

ClinVar aggregate classification (germline): Likely benign (1 of 4 stars; one submission).

Conditions:
Giant axonal neuropathy 1 (GAN1). Also called: GAN-Related Neurodegeneration; GIANT AXONAL NEUROPATHY 1, AUTOSOMAL RECESSIVE. Identifiers: Orphanet 643, MedGen C1850386, MONDO:0009749, OMIM 256850.

Allele frequency attached by ClinVar (database versions not stated): gnomAD exomes 0.00234; 1000 Genomes Project 30x 0.00422; 1000 Genomes Project 0.00439; gnomAD 0.00759 and 0.00767; TOPMed 0.00760.
gnomAD v4.1: 1,155 of 152,726 alleles (0.76%); highest among the groups gnomAD compares: Non-Finnish European, 1.1%; 5 homozygotes.

Submission:

Illumina Laboratory Services, Illumina
Classification: Likely benign for Giant axonal neuropathy 1. Last evaluated: 2018-01-12. Review status: criteria provided, single submitter. Criteria: ICSL Variant Classification Criteria 13 December 2019. Collection method: clinical testing. Allele origin: germline.
Comment: This variant was observed in the ICSL laboratory as part of a predisposition screen in an ostensibly healthy population. It had not been previously curated by ICSL or reported in the Human Gene Mutation Database (HGMD: prior to June 1st, 2018), and was therefore a candidate for classification through an automated scoring system. Utilizing variant allele frequency, disease prevalence and penetrance estimates, and inheritance mode, an automated score was calculated to assess if this variant is too frequent to cause the disease. Based on the score and internal cut-off values, a variant classified as likely benign is not then subjected to further curation. The score for this variant resulted in a classification of likely benign for this disease.